The following is an entry in ClinVar:

NM_052876.4(NACC1):c.328C>T (p.Gln110Ter)

Gene: NACC1 (nucleus accumbens associated 1; plus strand). Cytogenetic location: 19p13.13.
Variant type: single nucleotide variant.
Coding change: c.328C>T on transcript NM_052876.4 (MANE Select); coding-DNA position 328, C replaced by T.
Protein change: p.Gln110Ter; replaces glutamine 110 with a stop codon.
Molecular consequence: nonsense.
Genome position (GRCh38, 1-based): chr19:13,135,535, C>T. VCF-style: chr19-13135535-C-T. GRCh37 (hg19) VCF-style: chr19-13246349-C-T.
Other names: short protein forms Q110*.
Identifiers: ClinVar variation 4976072 (VCV004976072.1).
Genomic context (GRCh38, chr19:13,135,535, plus strand): 5'-CTGAGCATGAACGTGGGCGACCAGTTCCTGCTCATGTACACGGCTGGCTTCCTGCAGATC[C>T]AGGAGATCATGGAGAAGGGCACCGAGTTCTTCCTCAAGGTGAGCTCCCCGAGCTGCGACT-3'

ClinVar aggregate classification (germline): Uncertain significance (1 of 4 stars; one submission).

Submission:

GeneDx
Classification: Uncertain significance. Last evaluated: 2026-02-02. Review status: criteria provided, single submitter. Criteria: GeneDx Variant Classification Process June 2021. Collection method: clinical testing. Allele origin: germline.
Comment: Nonsense variant predicted to result in protein truncation or nonsense mediated decay in a gene or region of a gene for which loss of function is not a well-established mechanism of disease; Not observed at significant frequency in large population cohorts (gnomAD); Has not been previously published as pathogenic or benign to our knowledge